The following is an entry in ClinVar:

ClinVar aggregate classification (germline): Uncertain significance (1 of 4 stars; one submission).

Conditions:
Inborn genetic diseases. Identifiers: MedGen C0950123, MeSH D030342.

Allele frequency attached by ClinVar (database versions not stated): gnomAD exomes below 0.00001.
gnomAD v4.1: 3 of 1,611,522 alleles (0.00019%); highest among the groups gnomAD compares: Non-Finnish European, 0.00017%; no homozygotes.

Submission:

Ambry Genetics
Classification: Uncertain significance for Inborn genetic diseases. Last evaluated: 2023-10-12. Review status: criteria provided, single submitter. Criteria: Ambry Variant Classification Scheme 2023. Collection method: clinical testing. Allele origin: germline.
Comment: The p.D390G variant (also known as c.1169A>G), located in coding exon 10 of the LRRK2 gene, results from an A to G substitution at nucleotide position 1169. The aspartic acid at codon 390 is replaced by glycine, an amino acid with similar properties. This amino acid position is conserved. In addition, the in silico prediction for this alteration is inconclusive. Since supporting evidence is limited at this time, the clinical significance of this alteration remains unclear.

NM_198578.4(LRRK2):c.1169A>G (p.Asp390Gly)

Gene: LRRK2 (leucine rich repeat kinase 2; plus strand). Cytogenetic location: 12q12.
Variant type: single nucleotide variant.
Coding change: c.1169A>G on transcript NM_198578.4 (MANE Select); coding-DNA position 1169, A replaced by G.
Protein change: p.Asp390Gly; replaces aspartic acid 390 with glycine.
Molecular consequence: missense variant.
Genome position (GRCh38, 1-based): chr12:40,251,532, A>G. VCF-style: chr12-40251532-A-G. GRCh37 (hg19) VCF-style: chr12-40645334-A-G.
Other names: short protein forms D390G.
Identifiers: ClinVar variation 3229501 (VCV003229501.1), dbSNP rs2499505786, ClinGen allele CA384408267.